The following is an entry in ClinVar:

NM_017636.4(TRPM4):c.3449G>T (p.Arg1150Leu)

Gene: TRPM4 (transient receptor potential cation channel subfamily M member 4; plus strand). Cytogenetic location: 19q13.33.
Variant type: single nucleotide variant.
Coding change: c.3449G>T on transcript NM_017636.4 (MANE Select); coding-DNA position 3449, G replaced by T.
Protein change: p.Arg1150Leu; replaces arginine 1150 with leucine.
Molecular consequence: missense variant.
Genome position (GRCh38, 1-based): chr19:49,210,830, G>T. VCF-style: chr19-49210830-G-T. GRCh37 (hg19) VCF-style: chr19-49714087-G-T.
Other names: c.3014G>T, p.Arg1005Leu (NM_001195227.2); c.3104G>T, p.Arg1035Leu (NM_001321281.2); c.1841G>T, p.Arg614Leu (NM_001321282.2); c.2927G>T, p.Arg976Leu (NM_001321283.2); c.2387G>T, p.Arg796Leu (NM_001321285.2); short protein forms R1150L, R1035L, R614L, R1005L, R976L, R796L.
Identifiers: ClinVar variation 518560 (VCV000518560.11), dbSNP rs1273337644, ClinGen allele CA406773229.

ClinVar aggregate classification (germline): Uncertain significance. Review status: criteria provided, multiple submitters, no conflicts (2 of 4 stars). 3 submissions from 3 submitters: Uncertain significance (3). Last evaluated 2025-12-03.

Conditions:
Progressive familial heart block type IB (PFHB1B). Identifiers: Orphanet 871, MedGen C1970298, MONDO:0011474, OMIM 604559.
Erythrokeratodermia variabilis et progressiva 6. Identifiers: MedGen C5193144, MONDO:0032801, OMIM 618531.
Cardiovascular phenotype. Identifiers: MedGen CN230736.

Allele frequency attached by ClinVar (database versions not stated): gnomAD exomes below 0.00001; gnomAD 0.00001; TOPMed 0.00001.
gnomAD v4.1: 15 of 1,611,390 alleles (0.00093%); highest among the groups gnomAD compares: Non-Finnish European, 0.0013%; no homozygotes.

Submissions (3):

Labcorp Genetics (formerly Invitae), Labcorp
Classification: Uncertain significance for Progressive familial heart block type IB. Last evaluated: 2025-12-03. Review status: criteria provided, single submitter. Criteria: Invitae Variant Classification Sherloc (09022015). Collection method: clinical testing. Allele origin: germline.
Comment: This sequence change replaces arginine, which is basic and polar, with leucine, which is neutral and non-polar, at codon 1150 of the TRPM4 protein (p.Arg1150Leu). The frequency data for this variant in the population databases is considered unreliable, as metrics indicate poor data quality at this position in the gnomAD database. This variant has not been reported in the literature in individuals affected with TRPM4-related conditions. ClinVar contains an entry for this variant (Variation ID: 518560). An algorithm developed to predict the effect of missense changes on protein structure and function (PolyPhen-2) suggests that this variant is likely to be disruptive. In summary, the available evidence is currently insufficient to determine the role of this variant in disease. Therefore, it has been classified as a Variant of Uncertain Significance.

Ambry Genetics
Classification: Uncertain significance for Cardiovascular phenotype. Last evaluated: 2025-07-22. Review status: criteria provided, single submitter. Criteria: Ambry Variant Classification Scheme 2023. Collection method: clinical testing. Allele origin: germline.
Comment: The p.R1150L variant (also known as c.3449G>T), located in coding exon 22 of the TRPM4 gene, results from a G to T substitution at nucleotide position 3449. The arginine at codon 1150 is replaced by leucine, an amino acid with dissimilar properties. This amino acid position is highly conserved in available vertebrate species. In addition, the in silico prediction for this alteration is inconclusive. Since supporting evidence is limited at this time, the clinical significance of this alteration remains unclear.

Fulgent Genetics
Classification: Uncertain significance for Progressive familial heart block type IB; Erythrokeratodermia variabilis et progressiva 6. Last evaluated: 2021-08-11. Review status: criteria provided, single submitter. Criteria: ACMG Guidelines, 2015. Collection method: clinical testing. Allele origin: unknown.